The following is an entry in ClinVar:

ClinVar aggregate classification (germline): Conflicting classifications of pathogenicity. Review status: criteria provided, conflicting classifications (1 of 4 stars). 5 submissions from 5 submitters: Uncertain significance (4); Likely benign (1). Last evaluated 2025-02-11.

Conditions:
Renal tubular acidosis, distal, 3, with or without sensorineural hearing loss (DRTA3). Identifiers: MedGen C5399980, MONDO:0011268, OMIM 602722.
ATP6V0A4-related disorder. Also called: ATP6V0A4-related condition.
Autosomal recessive distal renal tubular acidosis. Identifiers: Orphanet 402041, MedGen C1864498, MONDO:0018440.

Allele frequency attached by ClinVar (database versions not stated): gnomAD exomes 0.00012 and 0.00019; ExAC 0.00021; 1000 Genomes Project 0.00060; gnomAD 0.00060 and 0.00065; TOPMed 0.00070; 1000 Genomes Project 30x 0.00078; ESP Exome Variant Server 0.00108.
gnomAD v4.1: 279 of 1,613,982 alleles (0.017%); highest among the groups gnomAD compares: African/African-American, 0.17%; no homozygotes.

Submissions (5):

PreventionGenetics, part of Exact Sciences
Classification: Likely benign for ATP6V0A4-related condition. Last evaluated: 2025-02-11. Review status: criteria provided, single submitter. Criteria: ACMG Guidelines, 2015. Collection method: clinical testing. Allele origin: germline.
Comment: This variant is classified as likely benign based on ACMG/AMP sequence variant interpretation guidelines (Richards et al. 2015 PMID: 25741868, with internal and published modifications).

Labcorp Genetics (formerly Invitae), Labcorp
Classification: Uncertain significance. Last evaluated: 2024-11-18. Review status: criteria provided, single submitter. Criteria: Invitae Variant Classification Sherloc (09022015). Collection method: clinical testing. Allele origin: germline.
Comment: This sequence change replaces threonine, which is neutral and polar, with methionine, which is neutral and non-polar, at codon 140 of the ATP6V0A4 protein (p.Thr140Met). This variant is present in population databases (rs144802156, gnomAD 0.2%). This variant has not been reported in the literature in individuals affected with ATP6V0A4-related conditions. ClinVar contains an entry for this variant (Variation ID: 359030). An algorithm developed to predict the effect of missense changes on protein structure and function (PolyPhen-2) suggests that this variant is likely to be disruptive. In summary, the available evidence is currently insufficient to determine the role of this variant in disease. Therefore, it has been classified as a Variant of Uncertain Significance.

Women's Health and Genetics/Laboratory Corporation of America, LabCorp
Classification: Uncertain significance. Last evaluated: 2024-08-02. Review status: criteria provided, single submitter. Criteria: LabCorp Variant Classification Summary - May 2015. Collection method: clinical testing. Allele origin: germline.
Comment: Variant summary: ATP6V0A4 c.419C>T (p.Thr140Met) results in a non-conservative amino acid change in the encoded protein sequence. Four of five in-silico tools predict a damaging effect of the variant on protein function. The variant allele was found at a frequency of 0.00017 in 1,607,008 control chromosomes, predominantly at a frequency of 0.0017 within the African or African-American subpopulation in the gnomAD database (v4.0 dataset). The observed variant frequency within African or African-American control individuals in the gnomAD database is approximately 1.5-fold of the estimated maximal expected allele frequency for a pathogenic variant in ATP6V0A4 causing Renal Tubular Acidosis, Distal, Autosomal Recessive phenotype (0.0011), strongly suggesting that the variant is a benign polymorphism found primarily in populations of African or African-American origin. The authors proposed a possible digenic model of inheritance. These report(s) do not provide unequivocal conclusions about association of the variant with Autosomal Recessive Distal Renal Tubular Acidosis. To our knowledge, no experimental evidence demonstrating an impact on protein function has been reported. The following publication has been ascertained in the context of this evaluation (PMID: 29024829). ClinVar contains an entry for this variant (Variation ID: 359030). Based on the evidence outlined above, the variant was classified as VUS-possibly benign.

Fulgent Genetics
Classification: Uncertain significance for Renal tubular acidosis, distal, 3, with or without sensorineural hearing loss. Last evaluated: 2024-04-01. Review status: criteria provided, single submitter. Criteria: ACMG Guidelines, 2015. Collection method: clinical testing. Allele origin: germline.

Illumina Laboratory Services, Illumina
Classification: Uncertain significance for Renal tubular acidosis, distal, 3, with or without sensorineural hearing loss. Last evaluated: 2018-01-13. Review status: criteria provided, single submitter. Criteria: ICSL Variant Classification Criteria 13 December 2019. Collection method: clinical testing. Allele origin: germline.

Literature cited by the submitters: PubMed 29024829 (cited by Women's Health and Genetics/Laboratory Corporation of America, LabCorp).

NM_020632.3(ATP6V0A4):c.419C>T (p.Thr140Met)

Gene: ATP6V0A4 (ATPase H+ transporting V0 subunit a4; minus strand). Cytogenetic location: 7q34.
Variant type: single nucleotide variant.
Coding change: c.419C>T on transcript NM_020632.3 (MANE Select); coding-DNA position 419, C replaced by T.
Protein change: p.Thr140Met; replaces threonine 140 with methionine.
Molecular consequence: missense variant.
Genome position (GRCh38, 1-based): chr7:138,762,433, G>A on the plus strand (C>T on the coding strand, the complement: ATP6V0A4 is on the minus strand). VCF-style: chr7-138762433-G-A. GRCh37 (hg19) VCF-style: chr7-138447178-G-A.
Other names: c.419C>T, p.Thr140Met (NM_130840.3, NM_130841.3); short protein forms T140M.
Identifiers: ClinVar variation 359030 (VCV000359030.11), dbSNP rs144802156, ClinGen allele CA4505129.